The following is an entry in ClinVar:

ClinVar aggregate classification (germline): Uncertain significance (1 of 4 stars; one submission).

gnomAD v4.1: 2 of 1,613,756 alleles (0.00012%); highest among the groups gnomAD compares: Non-Finnish European, 0.00017%; no homozygotes.

Submission:

Ambry Genetics
Classification: Uncertain significance. Last evaluated: 2022-10-12. Review status: criteria provided, single submitter. Criteria: Ambry Variant Classification Scheme 2023. Collection method: clinical testing. Allele origin: germline.
Comment: The p.N960K variant (also known as c.2880C>G), located in coding exon 14 of the NPAT gene, results from a C to G substitution at nucleotide position 2880. The asparagine at codon 960 is replaced by lysine, an amino acid with similar properties. This amino acid position is conserved. In addition, this alteration is predicted to be tolerated by in silico analysis. Since supporting evidence is limited at this time, the clinical significance of this alteration remains unclear.

NM_002519.3(NPAT):c.2880C>G (p.Asn960Lys)

Gene: NPAT (nuclear protein, coactivator of histone transcription; minus strand). Cytogenetic location: 11q22.3.
Variant type: single nucleotide variant.
Coding change: c.2880C>G on transcript NM_002519.3 (MANE Select); coding-DNA position 2880, C replaced by G.
Protein change: p.Asn960Lys; replaces asparagine 960 with lysine.
Molecular consequence: missense variant.
Genome position (GRCh38, 1-based): chr11:108,169,949, G>C on the plus strand (C>G on the coding strand, the complement: NPAT is on the minus strand). VCF-style: chr11-108169949-G-C. GRCh37 (hg19) VCF-style: chr11-108040676-G-C.
Other names: c.2880C>G, p.Asn960Lys (NM_001321307.1); short protein forms N960K.
Identifiers: ClinVar variation 1797172 (VCV001797172.2), dbSNP rs749086655, ClinGen allele CA382512033.
Genomic context (GRCh38, chr11:108,169,949, plus strand): 5'-AAAAGCATCACCACACCATTTTCAGTTCATAAATCTTACCTGCCGAGGAGGAGTAGAAAA[G>C]TTATTTCCATTCTGTCCAACCACAGATACTGGGATCATCCCTACCATTCCTTGGAGTACA-3'
Protein context (NP_002510.2, residues 950-970): PVSVVGQNGN[Asn960Lys]FSTPPRQVLH